The following is an entry in ClinVar:

ClinVar aggregate classification (germline): Uncertain significance. Review status: criteria provided, multiple submitters, no conflicts (2 of 4 stars). 2 submissions from 2 submitters: Uncertain significance (2). Last evaluated 2024-05-17.

Conditions:
Hereditary cancer-predisposing syndrome. Also called: Hereditary Cancer Syndrome; Hereditary neoplastic syndrome; Neoplastic Syndromes, Hereditary; Tumor predisposition. Identifiers: Orphanet 140162, MedGen C0027672, MeSH D009386, MONDO:0015356.
Hereditary breast ovarian cancer syndrome. Also called: BRCA1- and BRCA2-Associated Hereditary Breast and Ovarian Cancer; Hereditary breast and ovarian cancer syndrome (HBOC); Hereditary breast and ovarian cancer syndrome; Breast and ovarian cancer; Hereditary breast and ovarian cancer; Hereditary breast and/or ovarian cancer syndrome. Identifiers: Orphanet 145, MedGen C0677776, MeSH D061325, MONDO:0003582. Disease mechanism: loss of function.

Allele frequency attached by ClinVar (database versions not stated): gnomAD exomes below 0.00001.
gnomAD v4.1: 1 of 1,612,440 alleles (0.000062%); highest among the groups gnomAD compares: Non-Finnish European, 0.000085%; no homozygotes.

Submissions (3):

Ambry Genetics
Classification: Uncertain significance for Hereditary cancer-predisposing syndrome. Last evaluated: 2024-05-17. Review status: criteria provided, single submitter. Criteria: Ambry Variant Classification Scheme 2023. Collection method: clinical testing. Allele origin: germline.
Comment: The p.E23A variant (also known as c.68A>C), located in coding exon 1 of the BRCA1 gene, results from an A to C substitution at nucleotide position 68. The glutamic acid at codon 23 is replaced by alanine, an amino acid with dissimilar properties. One functional study found that this nucleotide substitution is functional in a high throughput genome editing haploid cell survival assay (Findlay GM et al. Nature. 2018 10;562:217-222). This amino acid position is well conserved in available vertebrate species. In addition, the in silico prediction for this alteration is inconclusive. Since supporting evidence is limited at this time, the clinical significance of this alteration remains unclear.

Labcorp Genetics (formerly Invitae), Labcorp
Classification: Uncertain significance for Hereditary breast ovarian cancer syndrome. Last evaluated: 2021-08-17. Review status: criteria provided, single submitter. Criteria: Invitae Variant Classification Sherloc (09022015). Collection method: clinical testing. Allele origin: germline.
Comment: In summary, the available evidence is currently insufficient to determine the role of this variant in disease. Therefore, it has been classified as a Variant of Uncertain Significance. Experimental studies have shown that this variant does not substantially affect BRCA1 function (PMID: 30209399). This sequence change replaces glutamic acid with alanine at codon 23 of the BRCA1 protein (p.Glu23Ala). The glutamic acid residue is highly conserved and there is a moderate physicochemical difference between glutamic acid and alanine. This variant is not present in population databases (ExAC no frequency). This variant has not been reported in the literature in individuals affected with BRCA1-related conditions. ClinVar contains an entry for this variant (Variation ID: 826690). Advanced modeling of experimental studies (such as gene expression, population dynamics, functional pathways, and cell-cycle effects in cell culture) performed at Invitae indicates that this missense variant is not expected to disrupt BRCA1 protein function.

Brotman Baty Institute, University of Washington
No classification provided (evidence only). Condition: Breast-ovarian cancer, familial 1. Review status: no classification provided. Collection method: in vitro. Allele origin: not applicable. Functional consequence: functionally_normal. Not counted in ClinVar's aggregate classification.
ClinVar note: "not provided" was previously submitted as the classification for the variant. However, the classification appeared to be based only on an observation of functional data so it was converted to no classification on 2025-07-30.

Literature cited by the submitters: PubMed 30209399 (cited by Ambry Genetics and Labcorp Genetics (formerly Invitae), Labcorp).

NM_007294.4(BRCA1):c.68A>C (p.Glu23Ala)

Gene: BRCA1 (BRCA1 DNA repair associated; minus strand). Cytogenetic location: 17q21.31.
Variant type: single nucleotide variant.
Coding change: c.68A>C on transcript NM_007294.4 (MANE Select); coding-DNA position 68, A replaced by C.
Protein change: p.Glu23Ala; replaces glutamic acid 23 with alanine.
Molecular consequence: missense variant. On other transcripts: 5 prime UTR variant (1), non-coding transcript variant (1).
Genome position (GRCh38, 1-based): chr17:43,124,029, T>G on the plus strand (A>C on the coding strand, the complement: BRCA1 is on the minus strand). VCF-style: chr17-43124029-T-G. GRCh37 (hg19) VCF-style: chr17-41276046-T-G.
Other names: c.-121A>C (NM_001407571.1, NM_001407853.1, NM_001407879.1 and 46 more transcripts); c.68A>C, p.Glu23Ala (NM_001407581.1, NM_001407582.1, NM_001407583.1 and 193 more transcripts); c.-190A>C (NM_001407694.1, NM_001407724.1, NM_001407727.1 and 11 more transcripts); c.-194A>C (NM_001407695.1, NM_001408465.1); c.-335A>C (NM_001407696.1); c.-219A>C (NM_001407697.1, NM_001407846.1, NM_001407920.1); c.-20A>C (NM_001407698.1, NM_001407732.1, NM_001407736.1 and 23 more transcripts); c.-193A>C (NM_001407725.1, NM_001407730.1, NM_001407734.1 and 22 more transcripts); and 8 more; short protein forms E23A.
Identifiers: ClinVar variation 826690 (VCV000826690.18), dbSNP rs1597923307, ClinGen allele CA10602021.